The following is an entry in ClinVar:

NM_015311.3(OBSL1):c.1245G>A (p.Arg415=)

Gene: OBSL1 (obscurin like cytoskeletal adaptor 1; minus strand). Cytogenetic location: 2q35.
Variant type: single nucleotide variant.
Coding change: c.1245G>A on transcript NM_015311.3 (MANE Select); coding-DNA position 1245, G replaced by A.
Protein change: p.Arg415=; no amino-acid change (arginine 415 retained).
Molecular consequence: synonymous variant.
Genome position (GRCh38, 1-based): chr2:219,568,092, C>T on the plus strand (G>A on the coding strand, the complement: OBSL1 is on the minus strand). VCF-style: chr2-219568092-C-T. GRCh37 (hg19) VCF-style: chr2-220432814-C-T.
Other names: c.1245G>A, p.Arg415= (NM_001173408.2, NM_001173431.2).
Identifiers: ClinVar variation 284341 (VCV000284341.22), dbSNP rs61732788, ClinGen allele CA2131600.

ClinVar aggregate classification (germline): Benign/Likely benign. Review status: criteria provided, multiple submitters, no conflicts (2 of 4 stars). 6 submissions from 6 submitters: Benign (5); Likely benign (1). Last evaluated 2026-05-13.

Conditions:
3M syndrome 2. Also called: 3-M Syndrome, OBSL1-Related; THREE M SYNDROME 2. Identifiers: Orphanet 2616, MedGen C2752041, MONDO:0013039, OMIM 612921.

Allele frequency attached by ClinVar (database versions not stated): gnomAD exomes 0.00053 and 0.00122; ExAC 0.00140; 1000 Genomes Project 0.00280; gnomAD 0.00348 and 0.00371; ESP Exome Variant Server 0.00353; 1000 Genomes Project 30x 0.00359; TOPMed 0.00388.
gnomAD v4.1: 1,358 of 1,612,544 alleles (0.084%); highest among the groups gnomAD compares: African/African-American, 1%; 5 homozygotes.

Submissions (6):

Women's Health and Genetics/Laboratory Corporation of America, LabCorp
Classification: Benign. Last evaluated: 2026-05-13. Review status: criteria provided, single submitter. Criteria: LabCorp Variant Classification Summary - May 2015. Collection method: clinical testing. Allele origin: germline.

Labcorp Genetics (formerly Invitae), Labcorp
Classification: Benign. Last evaluated: 2026-01-29. Review status: criteria provided, single submitter. Criteria: Invitae Variant Classification Sherloc (09022015). Collection method: clinical testing. Allele origin: germline.

Blueprint Genetics
Classification: Likely benign. Last evaluated: 2024-11-05. Review status: criteria provided, single submitter. Criteria: ACMG Guidelines, 2015. Collection method: clinical testing. Allele origin: germline.

Illumina Laboratory Services, Illumina
Classification: Benign for 3M syndrome 2. Last evaluated: 2018-01-13. Review status: criteria provided, single submitter. Criteria: ICSL Variant Classification Criteria 13 December 2019. Collection method: clinical testing. Allele origin: germline.
Comment: This variant was observed in the ICSL laboratory as part of a predisposition screen in an ostensibly healthy population. It had not been previously curated by ICSL or reported in the Human Gene Mutation Database (HGMD: prior to June 1st, 2018), and was therefore a candidate for classification through an automated scoring system. Utilizing variant allele frequency, disease prevalence and penetrance estimates, and inheritance mode, an automated score was calculated to assess if this variant is too frequent to cause the disease. Based on the score and internal cut-off values, a variant classified as benign is not then subjected to further curation. The score for this variant resulted in a classification of benign for this disease.

Eurofins Ntd Llc (ga)
Classification: Benign. Last evaluated: 2015-11-06. Review status: criteria provided, single submitter. Criteria: EGL Classification Definitions 2015. Collection method: clinical testing. Allele origin: germline. Observed: 1 variant allele, 1 heterozygote.

Breakthrough Genomics
Classification: Benign. Review status: criteria provided, single submitter. Criteria: ACMG Guidelines, 2015. Collection method: not provided. Allele origin: germline. Inheritance: Autosomal recessive inheritance. Affected: yes.